The following is an entry in ClinVar:

NM_024408.4(NOTCH2):c.4244C>T (p.Thr1415Met)

Gene: NOTCH2 (notch receptor 2; minus strand). Cytogenetic location: 1p12.
Variant type: single nucleotide variant.
Coding change: c.4244C>T on transcript NM_024408.4 (MANE Select); coding-DNA position 4244, C replaced by T.
Protein change: p.Thr1415Met; replaces threonine 1415 with methionine.
Molecular consequence: missense variant.
Genome position (GRCh38, 1-based): chr1:119,925,572, G>A on the plus strand (C>T on the coding strand, the complement: NOTCH2 is on the minus strand). VCF-style: chr1-119925572-G-A. GRCh37 (hg19) VCF-style: chr1-120468195-G-A.
Other names: c.4244C>T (NM_024408.3); short protein forms T1415M.
Identifiers: ClinVar variation 288219 (VCV000288219.17), dbSNP rs758275919, ClinGen allele CA1039889.

ClinVar aggregate classification (germline): Uncertain significance. Review status: criteria provided, multiple submitters, no conflicts (2 of 4 stars). 4 submissions from 4 submitters: Uncertain significance (4). Last evaluated 2026-08-24.

Conditions:
Hajdu-Cheney syndrome (HJCYS). Also called: ACROOSTEOLYSIS WITH OSTEOPOROSIS AND CHANGES IN SKULL AND MANDIBLE; SERPENTINE FIBULA-POLYCYSTIC KIDNEY SYNDROME; Acroosteolysis dominant type. Identifiers: Orphanet 955, MedGen C0917715, MONDO:0007057, OMIM 102500.
Alagille syndrome due to a NOTCH2 point mutation. Also called: Alagille syndrome 2. Identifiers: Orphanet 261629, Orphanet 52, MedGen C1857761, MONDO:0012439, OMIM 610205.
NOTCH2-related disorder. Also called: NOTCH2-related condition.

Allele frequency attached by ClinVar (database versions not stated): ExAC 0.00001; gnomAD exomes 0.00001.
gnomAD v4.1: 15 of 1,614,150 alleles (0.00093%); highest among the groups gnomAD compares: African/African-American, 0.0013%; no homozygotes.

Submissions (4):

PreventionGenetics, part of Exact Sciences
Classification: Uncertain significance for NOTCH2-related condition. Last evaluated: 2026-08-24. Review status: criteria provided, single submitter. Criteria: ACMG Guidelines, 2015. Collection method: clinical testing. Allele origin: germline.
Comment: The NOTCH2 c.4244C>T variant is predicted to result in the amino acid substitution p.Thr1415Met. To our knowledge, this variant has not been reported in the literature. This variant is reported in 0.0018% of alleles in individuals of European (Non-Finnish) descent in gnomAD. At this time, the clinical significance of this variant is uncertain due to the absence of conclusive functional and genetic evidence.

Labcorp Genetics (formerly Invitae), Labcorp
Classification: Uncertain significance for Hajdu-Cheney syndrome. Last evaluated: 2025-09-15. Review status: criteria provided, single submitter. Criteria: Invitae Variant Classification Sherloc (09022015). Collection method: clinical testing. Allele origin: germline.
Comment: This sequence change replaces threonine, which is neutral and polar, with methionine, which is neutral and non-polar, at codon 1415 of the NOTCH2 protein (p.Thr1415Met). This variant is present in population databases (rs758275919, gnomAD 0.0009%). This variant has not been reported in the literature in individuals affected with NOTCH2-related conditions. ClinVar contains an entry for this variant (Variation ID: 288219). Invitae Evidence Modeling of protein sequence and biophysical properties (such as structural, functional, and spatial information, amino acid conservation, physicochemical variation, residue mobility, and thermodynamic stability) indicates that this missense variant is not expected to disrupt NOTCH2 protein function with a negative predictive value of 95%. In summary, the available evidence is currently insufficient to determine the role of this variant in disease. Therefore, it has been classified as a Variant of Uncertain Significance.

Fulgent Genetics
Classification: Uncertain significance for Hajdu-Cheney syndrome; Alagille syndrome due to a NOTCH2 point mutation. Last evaluated: 2024-01-22. Review status: criteria provided, single submitter. Criteria: ACMG Guidelines, 2015. Collection method: clinical testing. Allele origin: germline.

Eurofins Ntd Llc (ga)
Classification: Uncertain significance. Last evaluated: 2017-10-26. Review status: criteria provided, single submitter. Criteria: EGL Classification Definitions 2015. Collection method: clinical testing. Allele origin: germline. Observed: 2 variant alleles, 2 heterozygotes.